The following is an entry in ClinVar:

ClinVar aggregate classification (germline): Uncertain significance (1 of 4 stars; one submission).

Conditions:
PTX3-related disorder. Also called: PTX3-related condition.

Submission:

PreventionGenetics, part of Exact Sciences
Classification: Uncertain significance for PTX3-related condition. Last evaluated: 2026-06-12. Review status: criteria provided, single submitter. Criteria: ACMG Guidelines, 2015. Collection method: clinical testing. Allele origin: germline.
Comment: The PTX3 c.258G>T variant is predicted to result in the amino acid substitution p.Gln86His. To our knowledge, this variant has not been reported in the literature or in a large population database (gnomAD), indicating this variant is rare. At this time, the clinical significance of this variant is uncertain due to the absence of conclusive functional and genetic evidence.

NM_002852.4(PTX3):c.258G>T (p.Gln86His)

Genes: PTX3 (pentraxin 3; plus strand), VEPH1 (ventricular zone expressed PH domain containing 1; minus strand). Cytogenetic location: 3q25.32.
Variant type: single nucleotide variant.
Coding change: c.258G>T on transcript NM_002852.4 (MANE Select); coding-DNA position 258, G replaced by T.
Protein change: p.Gln86His; replaces glutamine 86 with histidine.
Molecular consequence: missense variant. On other transcripts: intron variant (3).
Genome position (GRCh38, 1-based): chr3:157,437,640, G>T. VCF-style: chr3-157437640-G-T. GRCh37 (hg19) VCF-style: chr3-157155429-G-T.
Other names: c.530-9152C>A (NM_001167911.2, NM_001167912.2, NM_024621.2); short protein forms Q86H.
Identifiers: ClinVar variation 4989227 (VCV004989227.1).